The following is an entry in ClinVar:

NM_152564.5(VPS13B):c.5163dup (p.His1722fs)

Gene: VPS13B (vacuolar protein sorting 13 homolog B; plus strand). Cytogenetic location: 8q22.2.
Variant type: Duplication.
Coding change: c.5163dup on transcript NM_152564.5 (MANE Select); coding-DNA position 5163, one base duplicated (A; older notation c.5163dupA).
Protein change: p.His1722fs; shifts the reading frame from histidine 1722.
Molecular consequence: frameshift variant.
Genome position (GRCh38, 1-based): chr8:99,577,576, A duplicated. VCF-style (leftmost placement, unchanged base first): chr8-99577575-T-TA. GRCh37 (hg19) VCF-style: chr8-100589803-T-TA.
Other names: c.5238dup, p.His1747fs (NM_017890.5); short protein forms H1722fs, H1747fs.
Identifiers: ClinVar variation 2708407 (VCV002708407.3), dbSNP rs2490910434, ClinGen allele CA2688066684.
Genomic context (GRCh38, chr8:99,577,575, plus strand): 5'-TAGAAGTGAATATAACCACAAACCTGGACTTCTTCCTAAGTGTGGCTCAAGTTCAACTCT[T>TA]ACATCAGTTAATAGTAGCAAATATGACTGGACTGGAACCATCAAACAAGGCTGCAGAGGT-3'

ClinVar aggregate classification (germline): Pathogenic (1 of 4 stars; one submission).

Conditions:
Cohen syndrome (COH1). Also called: Cutis verticis gyrata, retinitis pigmentosa, and sensorineural deafness; PEPPER SYNDROME. Identifiers: Orphanet 193, MedGen C0265223, MONDO:0008999, OMIM 216550.

Allele frequency attached by ClinVar (database versions not stated): gnomAD exomes below 0.00001.

Submission:

Labcorp Genetics (formerly Invitae), Labcorp
Classification: Pathogenic for Cohen syndrome. Last evaluated: 2024-01-09. Review status: criteria provided, single submitter. Criteria: Invitae Variant Classification Sherloc (09022015). Collection method: clinical testing. Allele origin: germline.
Comment: This sequence change creates a premature translational stop signal (p.His1747Thrfs*22) in the VPS13B gene. It is expected to result in an absent or disrupted protein product. Loss-of-function variants in VPS13B are known to be pathogenic (PMID: 15141358, 16648375, 20461111). This variant is not present in population databases (gnomAD no frequency). This variant has not been reported in the literature in individuals affected with VPS13B-related conditions. For these reasons, this variant has been classified as Pathogenic.

Literature cited by the submitters: PubMed 15141358; PubMed 16648375; PubMed 20461111.